The following is an entry in ClinVar:

ClinVar aggregate classification (germline): Likely benign. Review status: criteria provided, multiple submitters, no conflicts (2 of 4 stars). 3 submissions from 3 submitters: Likely benign (2). 1 of the submissions does not count toward it. Last evaluated 2023-08-17.

Conditions:
RAI1-related disorder. Also called: RAI1-related condition.
Inborn genetic diseases. Identifiers: MedGen C0950123, MeSH D030342.

Allele frequency attached by ClinVar (database versions not stated): TOPMed below 0.00001; gnomAD 0.00001; gnomAD exomes 0.00001; ExAC 0.00002.
gnomAD v4.1: 18 of 1,613,724 alleles (0.0011%); highest among the groups gnomAD compares: African/African-American, 0.0027%; no homozygotes.

Submissions (3):

Labcorp Genetics (formerly Invitae), Labcorp
Classification: Likely benign. Last evaluated: 2023-08-17. Review status: criteria provided, single submitter. Criteria: Invitae Variant Classification Sherloc (09022015). Collection method: clinical testing. Allele origin: germline.

Ambry Genetics
Classification: Likely benign for Inborn genetic diseases. Last evaluated: 2023-05-08. Review status: criteria provided, single submitter. Criteria: Ambry Variant Classification Scheme 2023. Collection method: clinical testing. Allele origin: germline.

PreventionGenetics, part of Exact Sciences
Classification: Uncertain significance for RAI1-related condition. Last evaluated: 2024-01-22. Review status: no assertion criteria provided. Collection method: clinical testing. Allele origin: germline. Not counted in ClinVar's aggregate classification.
Comment: The RAI1 c.986G>A variant is predicted to result in the amino acid substitution p.Arg329Gln. To our knowledge, this variant has not been reported in the literature. This variant is reported in 0.0033% of alleles in individuals of South Asian descent in gnomAD. At this time, the clinical significance of this variant is uncertain due to the absence of conclusive functional and genetic evidence.

NM_030665.4(RAI1):c.986G>A (p.Arg329Gln)

Gene: RAI1 (retinoic acid induced 1; plus strand). Cytogenetic location: 17p11.2.
Variant type: single nucleotide variant.
Coding change: c.986G>A on transcript NM_030665.4 (MANE Select); coding-DNA position 986, G replaced by A.
Protein change: p.Arg329Gln; replaces arginine 329 with glutamine.
Molecular consequence: missense variant.
Genome position (GRCh38, 1-based): chr17:17,793,934, G>A. VCF-style: chr17-17793934-G-A. GRCh37 (hg19) VCF-style: chr17-17697248-G-A.
Other names: short protein forms R329Q.
Identifiers: ClinVar variation 2544935 (VCV002544935.7), dbSNP rs774552382, ClinGen allele CA8418247.